The following is an entry in ClinVar:

ClinVar aggregate classification (germline): Conflicting classifications of pathogenicity. Review status: criteria provided, conflicting classifications (1 of 4 stars). 6 submissions from 6 submitters: Uncertain significance (5); Likely benign (1). Last evaluated 2026-01-05.

Conditions:
Brown-Vialetto-van Laere syndrome 1. Also called: BROWN-VIALETTO-VAN LAERE SYNDROME 1, MILD; BULBAR PALSY, PROGRESSIVE, WITH SENSORINEURAL DEAFNESS; PONTOBULBAR PALSY WITH DEAFNESS. Identifiers: Orphanet 572550, Orphanet 97229, MedGen C0796274, MONDO:0024537, OMIM 211530.
Inborn genetic diseases. Identifiers: MedGen C0950123, MeSH D030342.

Allele frequency attached by ClinVar (database versions not stated): gnomAD exomes 0.00008 and 0.00023; gnomAD 0.00015; ExAC 0.00007; TOPMed 0.00009; ESP Exome Variant Server 0.00015.

Submissions (6):

Labcorp Genetics (formerly Invitae), Labcorp
Classification: Uncertain significance for Brown-Vialetto-van Laere syndrome 1. Last evaluated: 2026-01-05. Review status: criteria provided, single submitter. Criteria: Invitae Variant Classification Sherloc (09022015). Collection method: clinical testing. Allele origin: germline.
Comment: This sequence change replaces cysteine, which is neutral and slightly polar, with serine, which is neutral and polar, at codon 68 of the SLC52A3 protein (p.Cys68Ser). This variant is present in population databases (rs149622425, gnomAD 0.02%). This variant has not been reported in the literature in individuals affected with SLC52A3-related conditions. ClinVar contains an entry for this variant (Variation ID: 452583). Invitae Evidence Modeling of protein sequence and biophysical properties (such as structural, functional, and spatial information, amino acid conservation, physicochemical variation, residue mobility, and thermodynamic stability) has been performed for this missense variant. However, the output from this modeling did not meet the statistical confidence thresholds required to predict the impact of this variant on SLC52A3 protein function. In summary, the available evidence is currently insufficient to determine the role of this variant in disease. Therefore, it has been classified as a Variant of Uncertain Significance.

CeGaT Center for Human Genetics Tuebingen
Classification: Likely benign. Last evaluated: 2025-10-01. Review status: criteria provided, single submitter. Criteria: CeGaT Center For Human Genetics Tuebingen Variant Classification Criteria Version 2. Collection method: clinical testing. Allele origin: germline. Affected: yes. Observed: 1 variant allele.
Comment: SLC52A3: BP4

Mayo Clinic Laboratories, Mayo Clinic
Classification: Uncertain significance. Last evaluated: 2025-05-20. Review status: criteria provided, single submitter. Criteria: ACMG Guidelines, 2015. Collection method: clinical testing. Allele origin: germline. Observed: 1 variant allele.

GeneDx
Classification: Uncertain significance. Last evaluated: 2025-04-30. Review status: criteria provided, single submitter. Criteria: GeneDx Variant Classification Process June 2021. Collection method: clinical testing. Allele origin: germline. Affected: yes.
Comment: In silico analysis indicates that this missense variant does not alter protein structure/function; Has not been previously published as pathogenic or benign to our knowledge

Ambry Genetics
Classification: Uncertain significance for Inborn genetic diseases. Last evaluated: 2022-06-01. Review status: criteria provided, single submitter. Criteria: Ambry Variant Classification Scheme 2023. Collection method: clinical testing. Allele origin: germline.
Comment: The p.C68S variant (also known as c.203G>C), located in coding exon 1 of the SLC52A3 gene, results from a G to C substitution at nucleotide position 203. The cysteine at codon 68 is replaced by serine, an amino acid with dissimilar properties. This amino acid position is not well conserved in available vertebrate species. In addition, this alteration is predicted to be tolerated by in silico analysis. Since supporting evidence is limited at this time, the clinical significance of this alteration remains unclear.

Breakthrough Genomics
Classification: Uncertain significance. Review status: criteria provided, single submitter. Criteria: ACMG Guidelines, 2015. Collection method: not provided. Allele origin: germline. Inheritance: Autosomal dominant inheritance. Affected: yes.

NM_033409.4(SLC52A3):c.203G>C (p.Cys68Ser)

Gene: SLC52A3 (solute carrier family 52 member 3; minus strand). Cytogenetic location: 20p13.
Variant type: single nucleotide variant.
Coding change: c.203G>C on transcript NM_033409.4 (MANE Select); coding-DNA position 203, G replaced by C.
Protein change: p.Cys68Ser; replaces cysteine 68 with serine.
Molecular consequence: missense variant.
Genome position (GRCh38, 1-based): chr20:765,572, C>G on the plus strand (G>C on the coding strand, the complement: SLC52A3 is on the minus strand). VCF-style: chr20-765572-C-G. GRCh37 (hg19) VCF-style: chr20-746216-C-G.
Other names: p.Cys68Ser; c.203G>C, p.Cys68Ser (NM_001370085.1, NM_001370086.1); short protein forms C68S.
Identifiers: ClinVar variation 452583 (VCV000452583.20), dbSNP rs149622425, ClinGen allele CA9724818.